The following is an entry in ClinVar:

NM_007294.4(BRCA1):c.3167C>A (p.Ser1056Tyr)

Gene: BRCA1 (BRCA1 DNA repair associated; minus strand). Cytogenetic location: 17q21.31.
Variant type: single nucleotide variant.
Coding change: c.3167C>A on transcript NM_007294.4 (MANE Select); coding-DNA position 3167, C replaced by A.
Protein change: p.Ser1056Tyr; replaces serine 1056 with tyrosine.
Molecular consequence: missense variant. On other transcripts: intron variant (137).
Genome position (GRCh38, 1-based): chr17:43,092,364, G>T on the plus strand (C>A on the coding strand, the complement: BRCA1 is on the minus strand). VCF-style: chr17-43092364-G-T. GRCh37 (hg19) VCF-style: chr17-41244381-G-T.
Other names: c.2954C>A, p.Ser985Tyr (NM_001407571.1, NM_001407853.1, NM_001407894.1 and 9 more transcripts); c.3167C>A, p.Ser1056Tyr (NM_001407581.1, NM_001407582.1, NM_001407583.1 and 30 more transcripts); c.3164C>A, p.Ser1055Tyr (NM_001407587.1, NM_001407590.1, NM_001407591.1 and 22 more transcripts); c.3158C>A, p.Ser1053Tyr (NM_001407646.1, NM_001407647.1); c.3044C>A, p.Ser1015Tyr (NM_001407648.1, NM_001407664.1, NM_001407665.1 and 19 more transcripts); c.3041C>A, p.Ser1014Tyr (NM_001407649.1, NM_001407670.1, NM_001407671.1 and 11 more transcripts); c.3089C>A, p.Ser1030Tyr (NM_001407653.1, NM_001407654.1, NM_001407655.1 and 4 more transcripts); c.3086C>A, p.Ser1029Tyr (NM_001407659.1, NM_001407660.1, NM_001407661.1 and 1 more transcripts); and 41 more; short protein forms S1008Y, S1029Y, S968Y, S989Y, S1015Y, S1056Y, S760Y, S928Y.
Identifiers: ClinVar variation 1728378 (VCV001728378.8), dbSNP rs587781588, ClinGen allele CA10595651.

ClinVar aggregate classification (germline): Conflicting classifications of pathogenicity. Review status: criteria provided, conflicting classifications (1 of 4 stars). 3 submissions from 3 submitters: Uncertain significance (2); Likely benign (1). Last evaluated 2025-08-12.

Conditions:
Hereditary breast ovarian cancer syndrome. Also called: Breast and ovarian cancer; Hereditary breast and/or ovarian cancer syndrome; BRCA1- and BRCA2-Associated Hereditary Breast and Ovarian Cancer; Hereditary breast and ovarian cancer syndrome; Hereditary breast and ovarian cancer; Hereditary breast and ovarian cancer syndrome (HBOC). Identifiers: Orphanet 145, MedGen C0677776, MeSH D061325, MONDO:0003582. Disease mechanism: loss of function.
Hereditary cancer-predisposing syndrome. Also called: Tumor predisposition; Neoplastic Syndromes, Hereditary; Hereditary Cancer Syndrome; Hereditary neoplastic syndrome. Identifiers: Orphanet 140162, MedGen C0027672, MeSH D009386, MONDO:0015356.

Allele frequency attached by ClinVar (database versions not stated): TOPMed below 0.00001; gnomAD 0.00001.
gnomAD v4.1: 1 of 1,613,642 alleles (0.000062%); highest among the groups gnomAD compares: Admixed American, 0.0017%; no homozygotes.

Submissions (3):

Ambry Genetics
Classification: Uncertain significance for Hereditary cancer-predisposing syndrome. Last evaluated: 2025-08-12. Review status: criteria provided, single submitter. Criteria: Ambry Variant Classification Scheme 2023. Collection method: clinical testing. Allele origin: germline.
Comment: The p.S1056Y variant (also known as c.3167C>A), located in coding exon 9 of the BRCA1 gene, results from a C to A substitution at nucleotide position 3167. The serine at codon 1056 is replaced by tyrosine, an amino acid with dissimilar properties. This amino acid position is highly conserved in available vertebrate species. In addition, the in silico prediction for this alteration is inconclusive. Since supporting evidence is limited at this time, the clinical significance of this alteration remains unclear.

Labcorp Genetics (formerly Invitae), Labcorp
Classification: Uncertain significance for Hereditary breast ovarian cancer syndrome. Last evaluated: 2024-06-11. Review status: criteria provided, single submitter. Criteria: Invitae Variant Classification Sherloc (09022015). Collection method: clinical testing. Allele origin: germline.
Comment: This sequence change replaces serine, which is neutral and polar, with tyrosine, which is neutral and polar, at codon 1056 of the BRCA1 protein (p.Ser1056Tyr). This variant is not present in population databases (gnomAD no frequency). This variant has not been reported in the literature in individuals affected with BRCA1-related conditions. ClinVar contains an entry for this variant (Variation ID: 1728378). Advanced modeling of protein sequence and biophysical properties (such as structural, functional, and spatial information, amino acid conservation, physicochemical variation, residue mobility, and thermodynamic stability) performed at Invitae indicates that this missense variant is not expected to disrupt BRCA1 protein function with a negative predictive value of 95%. In summary, the available evidence is currently insufficient to determine the role of this variant in disease. Therefore, it has been classified as a Variant of Uncertain Significance.

University of Washington Department of Laboratory Medicine, University of Washington
Classification: Likely benign for Hereditary cancer-predisposing syndrome. Last evaluated: 2023-03-23. Review status: criteria provided, single submitter. Criteria: Dines et al. (Genet Med. 2020). Collection method: curation. Allele origin: germline.
Comment: Missense variant in a coldspot region where missense variants are very unlikely to be pathogenic (PMID:31911673).

BRCA1 coldspot (exon 11 using historical exon numbering). Reclassification based on statistical prior probability